The following is an entry in ClinVar:

ClinVar aggregate classification (germline): Uncertain significance (1 of 4 stars; one submission).

gnomAD v4.1: 2 of 1,613,924 alleles (0.00012%); highest among the groups gnomAD compares: East Asian, 0.0022%; no homozygotes.

Submission:

GeneDx
Classification: Uncertain significance. Last evaluated: 2022-01-06. Review status: criteria provided, single submitter. Criteria: GeneDx Variant Classification Process June 2021. Collection method: clinical testing. Allele origin: germline. Affected: yes.
Comment: Not observed at significant frequency in large population cohorts (gnomAD); In silico analysis supports that this missense variant does not alter protein structure/function; Has not been previously published as pathogenic or benign to our knowledge

NM_001352514.2(HLCS):c.2494T>C (p.Ser832Pro)

Gene: HLCS (holocarboxylase synthetase; minus strand). Cytogenetic location: 21q22.13.
Variant type: single nucleotide variant.
Coding change: c.2494T>C on transcript NM_001352514.2 (MANE Select); coding-DNA position 2494, T replaced by C.
Protein change: p.Ser832Pro; replaces serine 832 with proline.
Molecular consequence: missense variant. On other transcripts: non-coding transcript variant (2).
Genome position (GRCh38, 1-based): chr21:36,754,374, A>G on the plus strand (T>C on the coding strand, the complement: HLCS is on the minus strand). VCF-style: chr21-36754374-A-G. GRCh37 (hg19) VCF-style: chr21-38126675-A-G.
Other names: c.2053T>C, p.Ser685Pro (NM_000411.8, NM_001242784.3, NM_001242785.2 and 4 more transcripts); short protein forms S685P, S832P.
Identifiers: ClinVar variation 1695567 (VCV001695567.2), dbSNP rs1568956511, ClinGen allele CA409918256.
Genomic context (GRCh38, chr21:36,754,374, plus strand): 5'-CAACCTCGCCGCCCTCCTGGTGAACCTGGAGGAAGCCAGAATCGTCCAGGCCAACGATGG[A>G]CACCTTTGGTCCCTCTGCGCTGCCCAGATGGACTTGCTGACCACTGAAAAGGAAGAACAG-3'
Protein context (NP_001339443.1, residues 822-842): HLGSAEGPKV[Ser832Pro]IVGLDDSGFL